The following is an entry in ClinVar:

ClinVar aggregate classification (germline): Pathogenic (1 of 4 stars; one submission).

Conditions:
Primary open angle glaucoma (POAG). Also called: OPTN-related open angle glaucoma. Identifiers: MedGen C0339573, MONDO:0100553, OMIM 137760.
Glaucoma 1, open angle, E. Identifiers: MedGen C1842026, MONDO:0007665.
Amyotrophic lateral sclerosis type 12 (ALS12). Also called: AMYOTROPHIC LATERAL SCLEROSIS 12 WITH OR WITHOUT FRONTOTEMPORAL DEMENTIA. Identifiers: Orphanet 803, MedGen C3150692, MONDO:0013264, OMIM 613435.

Allele frequency attached by ClinVar (database versions not stated): TOPMed below 0.00001.

Submission:

Labcorp Genetics (formerly Invitae), Labcorp
Classification: Pathogenic for Primary open angle glaucoma; Glaucoma 1, open angle, E; Amyotrophic lateral sclerosis type 12. Last evaluated: 2017-06-16. Review status: criteria provided, single submitter. Criteria: Invitae Variant Classification Sherloc (09022015). Collection method: clinical testing. Allele origin: germline.
Comment: For these reasons, this variant has been classified as Pathogenic. Loss-of-function variants in OPTN are known to be pathogenic (PMID: 20428114). This variant has not been reported in the literature in individuals with OPTN-related disease. This variant is not present in population databases (ExAC no frequency). This sequence change creates a premature translational stop signal (p.Lys55Alafs*9) in the OPTN gene. It is expected to result in an absent or disrupted protein product.

Literature cited by the submitters: PubMed 20428114.

NM_001008212.2(OPTN):c.158_161dup (p.Lys55fs)

Genes: OPTN (optineurin; plus strand), LOC108903148 (10p13 OPTN distal Alu-mediated recombination region; plus strand). Cytogenetic location: 10p13.
Variant type: Duplication.
Coding change: c.158_161dup on transcript NM_001008212.2 (MANE Select); coding-DNA positions 158 to 161, 4 bases duplicated (AGCT; older notation c.158_161dupAGCT).
Protein change: p.Lys55fs; shifts the reading frame from lysine 55.
Molecular consequence: frameshift variant.
Genome position (GRCh38, 1-based): chr10:13,109,280-13,109,283, AGCT duplicated. VCF-style (leftmost placement, unchanged base first): chr10-13109279-C-CAGCT. GRCh37 (hg19) VCF-style: chr10-13151279-C-CAGCT.
Other names: c.158_161dup, p.Lys55fs (NM_001008211.1, NM_001008213.1, NM_021980.4); c.158_161dupAGCT (NM_021980.4); short protein forms K55fs.
Identifiers: ClinVar variation 576203 (VCV000576203.7), dbSNP rs1564354968, ClinGen allele CA891842479.